The following is an entry in ClinVar:

ClinVar aggregate classification (germline): Benign/Likely benign. Review status: criteria provided, multiple submitters, no conflicts (2 of 4 stars). 3 submissions from 3 submitters: Benign (1); Likely benign (2). Last evaluated 2025-04-30.

Conditions:
Tuberous sclerosis 1 (TSC1). Identifiers: Orphanet 805, MedGen C1854465, MONDO:0008612, OMIM 191100.
Hereditary cancer-predisposing syndrome. Also called: Neoplastic Syndromes, Hereditary; Hereditary Cancer Syndrome; Hereditary neoplastic syndrome; Tumor predisposition. Identifiers: Orphanet 140162, MedGen C0027672, MeSH D009386, MONDO:0015356.

Allele frequency attached by ClinVar (database versions not stated): gnomAD exomes below 0.00001.
gnomAD v4.1: 1 of 1,614,214 alleles (0.000062%); highest among the groups gnomAD compares: Admixed American, 0.0017%; no homozygotes.

Submissions (3):

Myriad Genetics, Inc.
Classification: Benign for Tuberous sclerosis 1. Last evaluated: 2025-04-30. Review status: criteria provided, single submitter. Criteria: Myriad Autosomal Dominant, Autosomal Recessive and X-Linked Classification Criteria (2023). Collection method: clinical testing. Allele origin: unknown.
Comment: This variant is considered benign. This variant is a silent/synonymous amino acid change and it is not expected to impact splicing.

Labcorp Genetics (formerly Invitae), Labcorp
Classification: Likely benign for Tuberous sclerosis 1. Last evaluated: 2024-06-11. Review status: criteria provided, single submitter. Criteria: Invitae Variant Classification Sherloc (09022015). Collection method: clinical testing. Allele origin: germline.

Ambry Genetics
Classification: Likely benign for Hereditary cancer-predisposing syndrome. Last evaluated: 2023-01-19. Review status: criteria provided, single submitter. Criteria: Ambry Variant Classification Scheme 2023. Collection method: clinical testing. Allele origin: germline.

NM_000368.5(TSC1):c.3273G>A (p.Lys1091=)

Gene: TSC1 (TSC complex subunit 1; minus strand). Cytogenetic location: 9q34.13.
Variant type: single nucleotide variant.
Coding change: c.3273G>A on transcript NM_000368.5 (MANE Select); coding-DNA position 3273, G replaced by A.
Protein change: p.Lys1091=; no amino-acid change (lysine 1091 retained).
Molecular consequence: synonymous variant.
Genome position (GRCh38, 1-based): chr9:132,896,457, C>T on the plus strand (G>A on the coding strand, the complement: TSC1 is on the minus strand). VCF-style: chr9-132896457-C-T. GRCh37 (hg19) VCF-style: chr9-135771844-C-T.
Other names: c.3273G>A (NM_000368.4); c.3270G>A, p.Lys1090= (NM_001162426.2); c.3120G>A, p.Lys1040= (NM_001162427.2); c.2910G>A, p.Lys970= (NM_001362177.2).
Identifiers: ClinVar variation 1563025 (VCV001563025.10), dbSNP rs2131597498, ClinGen allele CA467813276.